The following is an entry in ClinVar:

ClinVar aggregate classification (germline): Pathogenic/Likely pathogenic. Review status: criteria provided, multiple submitters, no conflicts (2 of 4 stars). 17 submissions from 17 submitters: Pathogenic (11); Likely pathogenic (4). 2 of the submissions do not count toward it. Last evaluated 2025-12-31.

Conditions:
Rare genetic deafness. Identifiers: Orphanet 96210, MedGen C5680250.
USH2A-related disorder. Also called: USH2A-related condition; USH2A-related disorders. Identifiers: MedGen CN239332.
Retinitis pigmentosa 39 (RP39). Identifiers: Orphanet 791, MedGen C3151138, MONDO:0013436, OMIM 613809.
Usher syndrome type 2A. Also called: USHER SYNDROME, TYPE IIA; RETINAL DISEASE IN USHER SYNDROME TYPE IIA, MODIFIER OF. Identifiers: Orphanet 231178, Orphanet 886, MedGen C1848634, MONDO:0010169, OMIM 276901.
Retinal dystrophy. Also called: Inherited retinal dystrophy. Identifiers: Orphanet 71862, MedGen C0854723, MeSH D058499, MONDO:0019118, HP:0000556.
Retinitis pigmentosa (RP). Identifiers: Orphanet 791, MedGen C0035334, MeSH D012174, MONDO:0019200, OMIM 268000. Inheritance: Autosomal dominant, autosomal recessive and X linked inheritance.

Allele frequency attached by ClinVar (database versions not stated): TOPMed 0.00001.
gnomAD v4.1: 30 of 1,614,188 alleles (0.0019%); highest among the groups gnomAD compares: East Asian, 0.013%; no homozygotes.

Submissions (17):

Labcorp Genetics (formerly Invitae), Labcorp
Classification: Pathogenic. Last evaluated: 2025-12-31. Review status: criteria provided, single submitter. Criteria: Invitae Variant Classification Sherloc (09022015). Collection method: clinical testing. Allele origin: germline.
Comment: This sequence change replaces threonine, which is neutral and polar, with methionine, which is neutral and non-polar, at codon 4337 of the USH2A protein (p.Thr4337Met). This variant is not present in population databases (gnomAD no frequency). This missense change has been observed in individual(s) with clinical features of Usher syndrome or retinitis pigmentosa (PMID: 17085681, 24498627, 25324289, 25356976, 26654877, 26667666, 28944237, 29588463; internal data). In at least one individual the data is consistent with being in trans (on the opposite chromosome) from a pathogenic variant. ClinVar contains an entry for this variant (Variation ID: 143172). Invitae Evidence Modeling of protein sequence and biophysical properties (such as structural, functional, and spatial information, amino acid conservation, physicochemical variation, residue mobility, and thermodynamic stability) indicates that this missense variant is expected to disrupt USH2A protein function with a positive predictive value of 95%. For these reasons, this variant has been classified as Pathogenic.

Natera, Inc.
Classification: Pathogenic for Usher syndrome type 2A. Last evaluated: 2025-07-07. Review status: criteria provided, single submitter. Criteria: Natera Variant Classification Schema (03/2026). Collection method: clinical testing. Allele origin: germline.
Comment: The c.13010C>T variant in USH2A is a missense variant predicted to cause substitution of threonine to methionine at amino acid 4337. This variant is rare in the general population with a frequency below the threshold expected for the associated phenotype(s). This variant has been observed in one or more individuals affected with the associated recessive disease, as either homozygous or compound heterozygous with a second variant (PMID: 17085681, 27460420, 24944099, 32531858, 33124170). Computational prediction algorithms indicate this variant is likely to affect gene or protein function. Given the available evidence, this variant is classified as Pathogenic.

PreventionGenetics, part of Exact Sciences
Classification: Pathogenic for USH2A-related condition. Last evaluated: 2025-03-05. Review status: criteria provided, single submitter. Criteria: ACMG Guidelines, 2015. Collection method: clinical testing. Allele origin: germline.
Comment: The USH2A c.13010C>T variant is predicted to result in the amino acid substitution p.Thr4337Met. This variant has been reported to be causative for Usher syndrome and retinitis pigmentosa (Aller et al. 2006. PubMed ID: 17085681; Besnard et al. 2014. PubMed ID: 24498627; Ge et al. 2015. PubMed ID: 26667666; McGee et al. 2010. PubMed ID: 20507924; Huang et al. 2014. PubMed ID: 25356976; Sanchez-Navarro et al. 2018. PubMed ID: 29588463). This variant has not been reported in a large population database (gnomAD), indicating this variant is rare. This variant is interpreted as pathogenic.

Baylor Genetics
Classification: Pathogenic for Retinitis pigmentosa 39. Last evaluated: 2024-02-13. Review status: criteria provided, single submitter. Criteria: ACMG Guidelines, 2015. Collection method: clinical testing. Allele origin: unknown.

Fulgent Genetics
Classification: Pathogenic for Usher syndrome type 2A; Retinitis pigmentosa 39. Last evaluated: 2024-01-23. Review status: criteria provided, single submitter. Criteria: ACMG Guidelines, 2015. Collection method: clinical testing. Allele origin: germline.

Genome-Nilou Lab
Classification: Likely pathogenic for Retinitis pigmentosa 39. Last evaluated: 2023-11-04. Review status: criteria provided, single submitter. Criteria: ACMG Guidelines, 2015. Collection method: clinical testing. Allele origin: germline. Affected: no.

Dept Of Ophthalmology, Nagoya University
Classification: Pathogenic for Retinal dystrophy. Last evaluated: 2023-10-01. Review status: criteria provided, single submitter. Criteria: Submitter's publication. Collection method: research. Allele origin: germline. Affected: yes.

Department of Pathology and Laboratory Medicine, Sinai Health System
Classification: Likely pathogenic for Usher syndrome type 2A; Retinitis pigmentosa 39. Last evaluated: 2023-09-01. Review status: criteria provided, single submitter. Criteria: ACMG Guidelines, 2015. Collection method: research. Allele origin: germline.

Ophthalmic Genetics Group, Institute of Molecular and Clinical Ophthalmology Basel
Classification: Pathogenic for Retinitis pigmentosa. Last evaluated: 2023-07-24. Review status: criteria provided, single submitter. Criteria: ACMG Guidelines, 2015. Collection method: research. Allele origin: germline. Affected: yes. Observed: 1 variant allele.
Comment: Clinical significance based on ACMG v2.0

This variant was classified as Pathogenic based on ACMG criteria: PP5, PM2, PM5, PM1.

Blueprint Genetics
Classification: Pathogenic for USH2A-related disorders. Last evaluated: 2022-03-16. Review status: criteria provided, single submitter. Criteria: ACMG Guidelines, 2015. Collection method: clinical testing. Allele origin: germline. Affected: yes. Observed: 5 variant alleles.

Revvity Omics, Revvity
Classification: Likely pathogenic. Last evaluated: 2021-08-26. Review status: criteria provided, single submitter. Criteria: ACMG Guidelines, 2015. Collection method: clinical testing. Allele origin: germline.

Institute of Medical Genetics and Applied Genomics, University Hospital Tübingen
Classification: Pathogenic. Last evaluated: 2021-06-17. Review status: criteria provided, single submitter. Criteria: ACMG Guidelines, 2015. Collection method: clinical testing. Allele origin: germline. Inheritance: Autosomal recessive inheritance. Affected: yes.

CeGaT Center for Human Genetics Tuebingen
Classification: Pathogenic. Last evaluated: 2018-01-01. Review status: criteria provided, single submitter. Criteria: CeGaT Center For Human Genetics Tuebingen Variant Classification Criteria Version 2. Collection method: clinical testing. Allele origin: germline. Affected: yes. Observed: 2 variant alleles.

Laboratory for Molecular Medicine, Mass General Brigham Personalized Medicine
Classification: Likely pathogenic for Rare genetic deafness. Last evaluated: 2015-05-14. Review status: criteria provided, single submitter. Criteria: LMM Criteria. Collection method: clinical testing. Allele origin: germline. Inheritance: Autosomal recessive inheritance. Observed: 1 variant allele.
Comment: The p.Thr4337Met variant in USH2A has been previously reported in 5 probands wit h Usher syndrome and 2 probands with retinitis pigmentosa (Aller 2006, McGee 201 0, Besnard 2014, Baux 2014, Lenassi 2015). Two of the probands with Usher syndr ome were compound heterozygotes with a second pathogenic or likely pathogenic va riant, and the two probands with retinitis pigmentosa were both compound heteroz ygous with a second pathogenic variant. This variant has not been identified in large population studies. Computational prediction tools and conservation analy sis do not provide strong support for or against an impact to the protein. In su mmary, although additional studies are required to fully establish its clinical significance, this variant is likely pathogenic based on multiple reported occur rences with pathogenic USH2A variants in individuals with Usher syndrome.

Institute of Human Genetics, Univ. Regensburg, Univ. Regensburg
Classification: Pathogenic for Retinal dystrophy. Last evaluated: 2012-01-01. Review status: criteria provided, single submitter. Criteria: ACMG Guidelines, 2015. Collection method: clinical testing. Allele origin: germline. Affected: yes.

Counsyl
Classification: Pathogenic for Retinitis pigmentosa 39. Last evaluated: 2017-03-24. Review status: no assertion criteria provided. Collection method: clinical testing. Allele origin: unknown. Not counted in ClinVar's aggregate classification.

Department of Ophthalmology and Visual Sciences Kyoto University
Classification: Pathogenic for Usher syndrome, type 2A. Review status: no assertion criteria provided. Collection method: not provided. Allele origin: unknown. Not counted in ClinVar's aggregate classification.
ClinVar note: Converted during submission from pathogenic to Pathogenic.

Literature cited by the submitters: PubMed 17085681 (cited by 5 submitters); PubMed 24498627 (cited by 3 submitters); PubMed 25324289 (cited by Labcorp Genetics (formerly Invitae), Labcorp and Counsyl); PubMed 25356976 (cited by 3 submitters); PubMed 26654877 (cited by Labcorp Genetics (formerly Invitae), Labcorp); PubMed 26667666 (cited by 3 submitters); PubMed 28944237 (cited by Labcorp Genetics (formerly Invitae), Labcorp); PubMed 29588463 (cited by Labcorp Genetics (formerly Invitae), Labcorp and Institute of Human Genetics, Univ. Regensburg, Univ. Regensburg); PubMed 27460420 (cited by Natera, Inc.); PubMed 24944099 (cited by 3 submitters); PubMed 32531858 (cited by Natera, Inc. and Institute of Human Genetics, Univ. Regensburg, Univ. Regensburg); PubMed 33124170 (cited by Natera, Inc. and Institute of Human Genetics, Univ. Regensburg, Univ. Regensburg); PubMed 36909829 (cited by Ophthalmic Genetics Group, Institute of Molecular and Clinical Ophthalmology Basel); PubMed 20507924 (cited by 3 submitters); PubMed 25649381 (cited by Laboratory for Molecular Medicine, Mass General Brigham Personalized Medicine and Counsyl); PubMed 31213501 (cited by Institute of Human Genetics, Univ. Regensburg, Univ. Regensburg); PubMed 30703234 (cited by Institute of Human Genetics, Univ. Regensburg, Univ. Regensburg); PubMed 33105608 (cited by Institute of Human Genetics, Univ. Regensburg, Univ. Regensburg); PubMed 33090715 (cited by Institute of Human Genetics, Univ. Regensburg, Univ. Regensburg); PubMed 32037395 (cited by Institute of Human Genetics, Univ. Regensburg, Univ. Regensburg); PubMed 34948090 (cited by Institute of Human Genetics, Univ. Regensburg, Univ. Regensburg); PubMed 32675063 (cited by Institute of Human Genetics, Univ. Regensburg, Univ. Regensburg); PubMed 35266249 (cited by Institute of Human Genetics, Univ. Regensburg, Univ. Regensburg); PubMed 36819107 (cited by Institute of Human Genetics, Univ. Regensburg, Univ. Regensburg).

NM_206933.4(USH2A):c.13010C>T (p.Thr4337Met)

Gene: USH2A (usherin; minus strand). Cytogenetic location: 1q41.
Variant type: single nucleotide variant.
Coding change: c.13010C>T on transcript NM_206933.4 (MANE Select); coding-DNA position 13010, C replaced by T.
Protein change: p.Thr4337Met; replaces threonine 4337 with methionine.
Molecular consequence: missense variant.
Genome position (GRCh38, 1-based): chr1:215,674,901, G>A on the plus strand (C>T on the coding strand, the complement: USH2A is on the minus strand). VCF-style: chr1-215674901-G-A. GRCh37 (hg19) VCF-style: chr1-215848243-G-A.
Other names: NP_996816.3:p.(Thr4337Met); short protein forms T4337M.
Identifiers: ClinVar variation 143172 (VCV000143172.70), dbSNP rs527236137, ClinGen allele CA270139.